The following is an entry in ClinVar:

NM_016604.4(KDM3B):c.2144del (p.Pro715fs)

Gene: KDM3B (lysine demethylase 3B; plus strand). Cytogenetic location: 5q31.2.
Variant type: Deletion.
Coding change: c.2144del on transcript NM_016604.4 (MANE Select); coding-DNA position 2144, one base deleted (C; older notation c.2144delC).
Protein change: p.Pro715fs; shifts the reading frame from proline 715.
Molecular consequence: frameshift variant.
Genome position (GRCh38, 1-based): chr5:138,391,776, C deleted; the last of 3 consecutive C bases (chr5:138,391,774-138,391,776); deleting any one gives the same sequence. VCF-style (leftmost placement, unchanged base first): chr5-138391773-GC-G. GRCh37 (hg19) VCF-style: chr5-137727462-GC-G.
Other names: short protein forms P715fs.
Identifiers: ClinVar variation 3863427 (VCV003863427.1).

ClinVar aggregate classification (germline): Pathogenic (1 of 4 stars; one submission).

Conditions:
Inborn genetic diseases. Identifiers: MedGen C0950123, MeSH D030342.

Submission:

Ambry Genetics
Classification: Pathogenic for Inborn genetic diseases. Last evaluated: 2025-01-06. Review status: criteria provided, single submitter. Criteria: Ambry Variant Classification Scheme 2023. Collection method: clinical testing. Allele origin: germline.
Comment: The c.2144delC (p.P715Qfs*80) alteration, located in exon 8 (coding exon 8) of the KDM3B gene, consists of a deletion of one nucleotide at position 2144, causing a translational frameshift with a predicted alternate stop codon after 80 amino acids. This alteration is expected to result in loss of function by premature protein truncation or nonsense-mediated mRNA decay. This variant was not reported in population-based cohorts in the Genome Aggregation Database (gnomAD). Based on the available evidence, this alteration is classified as pathogenic.